The following is an entry in ClinVar:

ClinVar aggregate classification (germline): Likely pathogenic (1 of 4 stars; one submission).

gnomAD v4.1: 42 of 1,613,998 alleles (0.0026%); highest among the groups gnomAD compares: Non-Finnish European, 0.0036%; no homozygotes.

Submission:

Labcorp Genetics (formerly Invitae), Labcorp
Classification: Likely pathogenic. Last evaluated: 2024-06-10. Review status: criteria provided, single submitter. Criteria: Invitae Variant Classification Sherloc (09022015). Collection method: clinical testing. Allele origin: germline.
Comment: This sequence change affects an acceptor splice site in intron 10 of the ADSSL1 gene. It is expected to disrupt RNA splicing. Variants that disrupt the donor or acceptor splice site typically lead to a loss of protein function (PMID: 16199547), and loss-of-function variants in ADSSL1 are known to be pathogenic (PMID: 26506222). This variant is present in population databases (rs145054331, gnomAD 0.006%). This variant has not been reported in the literature in individuals affected with ADSSL1-related conditions. Algorithms developed to predict the effect of sequence changes on RNA splicing suggest that this variant may disrupt the consensus splice site. In summary, the currently available evidence indicates that the variant is pathogenic, but additional data are needed to prove that conclusively. Therefore, this variant has been classified as Likely Pathogenic.

Literature cited by the submitters: PubMed 16199547; PubMed 26506222.

NM_152328.5(ADSS1):c.1074-2A>G

Gene: ADSS1 (adenylosuccinate synthase 1; plus strand). Cytogenetic location: 14q32.33.
Variant type: single nucleotide variant.
Coding change: c.1074-2A>G on transcript NM_152328.5 (MANE Select); the canonical splice acceptor site of the intron before coding-DNA position 1074, A replaced by G.
Molecular consequence: splice acceptor variant.
Genome position (GRCh38, 1-based): chr14:104,744,810, A>G. VCF-style: chr14-104744810-A-G. GRCh37 (hg19) VCF-style: chr14-105211147-A-G.
Other names: c.1203-2A>G (NM_199165.2); c.459-2A>G (NM_001320424.1).
Identifiers: ClinVar variation 3615419 (VCV003615419.2).